The following is an entry in ClinVar:

NM_003177.7(SYK):c.1539C>T (p.Phe513=)

Gene: SYK (spleen associated tyrosine kinase; plus strand). Cytogenetic location: 9q22.2.
Variant type: single nucleotide variant.
Coding change: c.1539C>T on transcript NM_003177.7 (MANE Select); coding-DNA position 1539, C replaced by T.
Protein change: p.Phe513=; no amino-acid change (phenylalanine 513 retained).
Molecular consequence: synonymous variant.
Genome position (GRCh38, 1-based): chr9:90,878,911, C>T. VCF-style: chr9-90878911-C-T. GRCh37 (hg19) VCF-style: chr9-93641193-C-T.
Other names: p.Phe513=; c.1470C>T, p.Phe490= (NM_001135052.4, NM_001174168.3); c.1539C>T, p.Phe513= (NM_001174167.3).
Identifiers: ClinVar variation 4683402 (VCV004683402.2).

ClinVar aggregate classification (germline): Benign. Review status: criteria provided, multiple submitters, no conflicts (2 of 4 stars). 2 submissions from 2 submitters: Benign (2). Last evaluated 2026-01-22.

gnomAD v4.1: 69,382 of 1,613,914 alleles (4.3%); highest among the groups gnomAD compares: African/African-American, 4.6%; 1,658 homozygotes.

Submissions (2):

Women's Health and Genetics/Laboratory Corporation of America, LabCorp
Classification: Benign. Last evaluated: 2026-01-22. Review status: criteria provided, single submitter. Criteria: LabCorp Variant Classification Summary - May 2015. Collection method: clinical testing. Allele origin: germline.
Comment: Variant summary: SYK c.1539C>T results in a synonymous change. Consensus agreement among computation tools predict no significant impact on normal splicing. However, these predictions have yet to be confirmed by functional studies. The variant allele was found at a frequency of 0.039 in 251406 control chromosomes in the gnomAD database, including 239 homozygotes. The observed variant frequency exceeds the estimated maximal expected allele frequency for disease-causing variants in SYK. To our knowledge, no occurrence of c.1539C>T in individuals affected with SYK-related conditions and no experimental evidence demonstrating its impact on protein function have been reported. ClinVar contains an entry for this variant (Variation ID: 4683402). Based on the evidence outlined above, the variant was classified as benign.

Mayo Clinic Laboratories, Mayo Clinic
Classification: Benign. Last evaluated: 2025-08-25. Review status: criteria provided, single submitter. Criteria: ACMG Guidelines, 2015. Collection method: clinical testing. Allele origin: germline. Observed: 2 variant alleles.